The following is an entry in ClinVar:

ClinVar aggregate classification (germline): Uncertain significance. Review status: criteria provided, multiple submitters, no conflicts (2 of 4 stars). 2 submissions from 2 submitters: Uncertain significance (2). Last evaluated 2025-12-01.

Conditions:
NLRP12-related disorder. Also called: NLRP12-related condition; NLRP12-related conditions.
Familial cold autoinflammatory syndrome 2 (FCAS2). Identifiers: Orphanet 247868, MedGen C2673198, MONDO:0012724, OMIM 611762.

Allele frequency attached by ClinVar (database versions not stated): ExAC 0.00001; gnomAD exomes 0.00002; gnomAD 0.00003; TOPMed 0.00004.
gnomAD v4.1: 36 of 1,613,798 alleles (0.0022%); highest among the groups gnomAD compares: East Asian, 0.0045%; no homozygotes.

Submissions (2):

PreventionGenetics, part of Exact Sciences
Classification: Uncertain significance for NLRP12-related condition. Last evaluated: 2025-12-01. Review status: criteria provided, single submitter. Criteria: ACMG Guidelines, 2015. Collection method: clinical testing. Allele origin: germline.
Comment: The NLRP12 c.652G>A variant is predicted to result in the amino acid substitution p.Ala218Thr. This variant, along with another variant in NLRP12, has reported in an individual with autoinflammatory disease (Antunes-Duarte et al. 2022. PubMed ID: 35942351). This variant is reported in 0.012% of alleles in individuals of African descent in gnomAD. At this time, the clinical significance of this variant is uncertain due to the absence of conclusive functional and genetic evidence.

Labcorp Genetics (formerly Invitae), Labcorp
Classification: Uncertain significance for Familial cold autoinflammatory syndrome 2. Last evaluated: 2023-10-08. Review status: criteria provided, single submitter. Criteria: Invitae Variant Classification Sherloc (09022015). Collection method: clinical testing. Allele origin: germline.
Comment: This sequence change replaces alanine, which is neutral and non-polar, with threonine, which is neutral and polar, at codon 218 of the NLRP12 protein (p.Ala218Thr). This variant is present in population databases (rs780112328, gnomAD 0.01%). This variant has not been reported in the literature in individuals affected with NLRP12-related conditions. ClinVar contains an entry for this variant (Variation ID: 2162897). Advanced modeling of protein sequence and biophysical properties (such as structural, functional, and spatial information, amino acid conservation, physicochemical variation, residue mobility, and thermodynamic stability) performed at Invitae indicates that this missense variant is not expected to disrupt NLRP12 protein function. In summary, the available evidence is currently insufficient to determine the role of this variant in disease. Therefore, it has been classified as a Variant of Uncertain Significance.

NM_144687.4(NLRP12):c.652G>A (p.Ala218Thr)

Gene: NLRP12 (NLR family pyrin domain containing 12; minus strand). Cytogenetic location: 19q13.42.
Variant type: single nucleotide variant.
Coding change: c.652G>A on transcript NM_144687.4 (MANE Select); coding-DNA position 652, G replaced by A.
Protein change: p.Ala218Thr; replaces alanine 218 with threonine.
Molecular consequence: missense variant.
Genome position (GRCh38, 1-based): chr19:53,811,007, C>T on the plus strand (G>A on the coding strand, the complement: NLRP12 is on the minus strand). VCF-style: chr19-53811007-C-T. GRCh37 (hg19) VCF-style: chr19-54314261-C-T.
Other names: c.652G>A, p.Ala218Thr (NM_001277126.2, NM_001277129.1); c.652G>A (NM_144687.3); short protein forms A218T.
Identifiers: ClinVar variation 2162897 (VCV002162897.5), dbSNP rs780112328, ClinGen allele CA9639642.